The following is an entry in ClinVar:

ClinVar aggregate classification (germline): Likely pathogenic (1 of 4 stars; one submission).

Conditions:
Nemaline myopathy 2 (NEM2). Also called: Nemaline myopathy 2, autosomal recessive. Identifiers: MedGen C1850569, MONDO:0009725, OMIM 256030.

Submission:

Myriad Genetics, Inc.
Classification: Likely pathogenic for Nemaline myopathy 2. Last evaluated: 2022-05-30. Review status: criteria provided, single submitter. Criteria: Myriad Women's Health Autosomal Recessive and X-Linked Classification Criteria (2021). Collection method: clinical testing. Allele origin: unknown.
Comment: NM_001271208.1(NEB):c.1082_1097del16(Y361Ffs*10) is expected to be pathogenic in the context of NEB-related nemaline myopathy. This variant is predicted to lead to an abnormal or absent protein product due to the creation of a premature termination codon in NEB, a gene where loss-of-function variants are known to be pathogenic. Please note: this variant was assessed in the context of healthy population screening.

NM_001164508.2(NEB):c.1082_1097del (p.Tyr361fs)

Gene: NEB (nebulin; minus strand). Cytogenetic location: 2q23.3.
Variant type: Deletion.
Coding change: c.1082_1097del on transcript NM_001164508.2 (MANE Select); coding-DNA positions 1082 to 1097, 16 bases deleted (ATAATGTGCTTCCTGC).
Protein change: p.Tyr361fs; shifts the reading frame from tyrosine 361.
Molecular consequence: frameshift variant.
Genome position (GRCh38, 1-based): chr2:151,706,936-151,706,951, GCAGGAAGCACATTAT deleted on the plus strand (ATAATGTGCTTCCTGC on the coding strand, the reverse complement: NEB is on the minus strand). VCF-style (leftmost placement, unchanged base first): chr2-151706935-AGCAGGAAGCACATTAT-A. GRCh37 (hg19) VCF-style: chr2-152563449-AGCAGGAAGCACATTAT-A.
Other names: c.1082_1097del, p.Tyr361fs (NM_001164507.2, NM_001271208.2, NM_004543.5); short protein forms Y361fs.
Identifiers: ClinVar variation 1726237 (VCV001726237.2), dbSNP rs2552273399, ClinGen allele CA2577123075.